The following is an entry in ClinVar:

NM_000180.4(GUCY2D):c.1278C>T (p.Ser426=)

Gene: GUCY2D (guanylate cyclase 2D, retinal; plus strand). Cytogenetic location: 17p13.1.
Variant type: single nucleotide variant.
Coding change: c.1278C>T on transcript NM_000180.4 (MANE Select); coding-DNA position 1278, C replaced by T.
Protein change: p.Ser426=; no amino-acid change (serine 426 retained).
Molecular consequence: synonymous variant.
Genome position (GRCh38, 1-based): chr17:8,006,614, C>T. VCF-style: chr17-8006614-C-T. GRCh37 (hg19) VCF-style: chr17-7909932-C-T.
Identifiers: ClinVar variation 783769 (VCV000783769.12), dbSNP rs746671374, ClinGen allele CA8365698.

ClinVar aggregate classification (germline): Likely benign. Review status: criteria provided, multiple submitters, no conflicts (2 of 4 stars). 3 submissions from 3 submitters: Likely benign (3). Last evaluated 2025-03-24.

Conditions:
GUCY2D-related disorder. Also called: GUCY2D-related condition.
Cone-rod dystrophy 6 (CORD6). Also called: RETINAL CONE DYSTROPHY 2; Cone dystrophy progressive. Identifiers: Orphanet 1872, MedGen C1866293, MONDO:0011143, OMIM 601777.
Leber congenital amaurosis 1 (LCA1). Also called: RETINAL BLINDNESS, CONGENITAL; AMAUROSIS CONGENITA OF LEBER I; Congenital absence of the rods and cones; Leber's congenital tapetoretinal degeneration; Leber's congenital tapetoretinal dysplasia. Identifiers: Orphanet 65, MedGen C2931258, MONDO:0008764, OMIM 204000.

Allele frequency attached by ClinVar (database versions not stated): gnomAD exomes below 0.00001; ExAC 0.00001; gnomAD 0.00005 and 0.00006; TOPMed 0.00006.
gnomAD v4.1: 25 of 1,612,940 alleles (0.0015%); highest among the groups gnomAD compares: African/African-American, 0.031%; no homozygotes.

Submissions (3):

PreventionGenetics, part of Exact Sciences
Classification: Likely benign for GUCY2D-related condition. Last evaluated: 2025-03-24. Review status: criteria provided, single submitter. Criteria: ACMG Guidelines, 2015. Collection method: clinical testing. Allele origin: germline.
Comment: This variant is classified as likely benign based on ACMG/AMP sequence variant interpretation guidelines (Richards et al. 2015 PMID: 25741868, with internal and published modifications).

Labcorp Genetics (formerly Invitae), Labcorp
Classification: Likely benign for Leber congenital amaurosis 1; Cone-rod dystrophy 6. Last evaluated: 2024-12-02. Review status: criteria provided, single submitter. Criteria: Invitae Variant Classification Sherloc (09022015). Collection method: clinical testing. Allele origin: germline.

Blueprint Genetics
Classification: Likely benign. Last evaluated: 2024-03-12. Review status: criteria provided, single submitter. Criteria: ACMG Guidelines, 2015. Collection method: clinical testing. Allele origin: germline.